The following is an entry in ClinVar:

ClinVar aggregate classification (germline): Likely benign. Review status: criteria provided, multiple submitters, no conflicts (2 of 4 stars). 6 submissions from 6 submitters: Likely benign (5). 1 of the submissions does not count toward it. Last evaluated 2025-12-24.

Conditions:
Cardiovascular phenotype. Identifiers: MedGen CN230736.
GPIHBP1-related disorder. Also called: GPIHBP1-related condition.

Allele frequency attached by ClinVar (database versions not stated): 1000 Genomes Project 30x 0.00016; 1000 Genomes Project 0.00020; gnomAD 0.00043 and 0.00045; TOPMed 0.00046; gnomAD exomes 0.00050 and 0.00072; ExAC 0.00054; ESP Exome Variant Server 0.00054.
gnomAD v4.1: 1,108 of 1,611,672 alleles (0.069%); highest among the groups gnomAD compares: Non-Finnish European, 0.087%; no homozygotes.

Submissions (6):

Labcorp Genetics (formerly Invitae), Labcorp
Classification: Likely benign. Last evaluated: 2025-12-24. Review status: criteria provided, single submitter. Criteria: Invitae Variant Classification Sherloc (09022015). Collection method: clinical testing. Allele origin: germline.

Molecular Diagnostic Laboratory for Inherited Cardiovascular Disease, Montreal Heart Institute
Classification: Likely benign. Last evaluated: 2025-04-09. Review status: criteria provided, single submitter. Criteria: ACMG Guidelines, 2015. Collection method: clinical testing. Allele origin: germline. Affected: no.

Ambry Genetics
Classification: Likely benign for Cardiovascular phenotype. Last evaluated: 2024-11-12. Review status: criteria provided, single submitter. Criteria: Ambry Variant Classification Scheme 2023. Collection method: clinical testing. Allele origin: germline.

Blueprint Genetics
Classification: Likely benign. Last evaluated: 2024-08-20. Review status: criteria provided, single submitter. Criteria: ACMG Guidelines, 2015. Collection method: clinical testing. Allele origin: germline.

GeneDx
Classification: Likely benign. Last evaluated: 2019-06-10. Review status: criteria provided, single submitter. Criteria: GeneDx Variant Classification Process June 2021. Collection method: clinical testing. Allele origin: germline. Affected: yes.
Comment: See Variant Classification Assertion Criteria.

PreventionGenetics, part of Exact Sciences
Classification: Likely benign for GPIHBP1-related condition. Last evaluated: 2019-08-07. Review status: no assertion criteria provided. Collection method: clinical testing. Allele origin: germline. Not counted in ClinVar's aggregate classification.
Comment: This variant is classified as likely benign based on ACMG/AMP sequence variant interpretation guidelines (Richards et al. 2015 PMID: 25741868, with internal and published modifications).

NM_178172.6(GPIHBP1):c.294C>T (p.Thr98=)

Gene: GPIHBP1 (glycosylphosphatidylinositol anchored high density lipoprotein binding protein 1; plus strand). Cytogenetic location: 8q24.3.
Variant type: single nucleotide variant.
Coding change: c.294C>T on transcript NM_178172.6 (MANE Select); coding-DNA position 294, C replaced by T.
Protein change: p.Thr98=; no amino-acid change (threonine 98 retained).
Molecular consequence: synonymous variant.
Genome position (GRCh38, 1-based): chr8:143,215,125, C>T. VCF-style: chr8-143215125-C-T. GRCh37 (hg19) VCF-style: chr8-144297000-C-T.
Other names: c.294C>T (NM_178172.5); c.294C>T, p.Thr98= (NM_001301772.2).
Identifiers: ClinVar variation 1576226 (VCV001576226.16), dbSNP rs142959160, ClinGen allele CA4907068.
Genomic context (GRCh38, chr8:143,215,125, plus strand): 5'-CCTGACGCAGAACTGCTCACATGGCCAGACCTGCACAACCCTCATTGCCCACGGGAACAC[C>T]GGTAAGTGGGCGTGGGGCCGCAGCACATGCACCCCCAGGCGGCGGGAAAGCCAGGGGCCC-3'
Protein context (NP_835466.2, residues 88-108): TCTTLIAHGN[Thr98=]ESGLLTTHST